The following is an entry in ClinVar:

NM_030632.3(ASXL3):c.4569C>T (p.Ser1523=)

Gene: ASXL3 (ASXL transcriptional regulator 3; plus strand). Cytogenetic location: 18q12.1.
Variant type: single nucleotide variant.
Coding change: c.4569C>T on transcript NM_030632.3 (MANE Select); coding-DNA position 4569, C replaced by T.
Protein change: p.Ser1523=; no amino-acid change (serine 1523 retained).
Molecular consequence: synonymous variant.
Genome position (GRCh38, 1-based): chr18:33,744,417, C>T. VCF-style: chr18-33744417-C-T. GRCh37 (hg19) VCF-style: chr18-31324381-C-T.
Identifiers: ClinVar variation 1176062 (VCV001176062.36), dbSNP rs369156052, ClinGen allele CA8934288.

ClinVar aggregate classification (germline): Likely benign. Review status: criteria provided, multiple submitters, no conflicts (2 of 4 stars). 2 submissions from 2 submitters: Likely benign (2). Last evaluated 2022-09-01.

Allele frequency attached by ClinVar (database versions not stated): ExAC 0.00003; gnomAD exomes 0.00004 and 0.00005; gnomAD 0.00007 and 0.00008; ESP Exome Variant Server 0.00008; TOPMed 0.00009.
gnomAD v4.1: 73 of 1,613,666 alleles (0.0045%); highest among the groups gnomAD compares: Non-Finnish European, 0.0058%; no homozygotes.

Submissions (2):

CeGaT Center for Human Genetics Tuebingen
Classification: Likely benign. Last evaluated: 2022-09-01. Review status: criteria provided, single submitter. Criteria: CeGaT Center For Human Genetics Tuebingen Variant Classification Criteria Version 2. Collection method: clinical testing. Allele origin: germline. Affected: yes. Observed: 3 variant alleles.
Comment: ASXL3: BP4, BP7

Blueprint Genetics
Classification: Likely benign. Last evaluated: 2022-03-08. Review status: criteria provided, single submitter. Criteria: ACMG Guidelines, 2015. Collection method: clinical testing. Allele origin: germline.